The following is an entry in ClinVar:

NM_002890.3(RASA1):c.1298A>C (p.Glu433Ala)

Genes: CCNH (cyclin H; minus strand), RASA1 (RAS p21 protein activator 1; plus strand). Cytogenetic location: 5q14.3.
Variant type: single nucleotide variant.
Coding change: c.1298A>C on transcript NM_002890.3 (MANE Select); coding-DNA position 1298, A replaced by C.
Protein change: p.Glu433Ala; replaces glutamic acid 433 with alanine.
Molecular consequence: missense variant. On other transcripts: intron variant (1).
Genome position (GRCh38, 1-based): chr5:87,353,201, A>C. VCF-style: chr5-87353201-A-C. GRCh37 (hg19) VCF-style: chr5-86649018-A-C.
Other names: c.767A>C, p.Glu256Ala (NM_022650.3); c.934-40406T>G (NM_001364075.2); short protein forms E433A, E256A.
Identifiers: ClinVar variation 939363 (VCV000939363.10), dbSNP rs1759407260, ClinGen allele CA360365144.

ClinVar aggregate classification (germline): Uncertain significance (1 of 4 stars; one submission).

Conditions:
Capillary malformation-arteriovenous malformation syndrome. Also called: Capillary malformation-arteriovenous malformation. Identifiers: Orphanet 137667, MedGen C1842180, MONDO:0012016.

Submission:

Labcorp Genetics (formerly Invitae), Labcorp
Classification: Uncertain significance for Capillary malformation-arteriovenous malformation syndrome. Last evaluated: 2019-07-02. Review status: criteria provided, single submitter. Criteria: Invitae Variant Classification Sherloc (09022015). Collection method: clinical testing. Allele origin: germline.
Comment: In summary, the available evidence is currently insufficient to determine the role of this variant in disease. Therefore, it has been classified as a Variant of Uncertain Significance. Algorithms developed to predict the effect of missense changes on protein structure and function are either unavailable or do not agree on the potential impact of this missense change (SIFT: "Tolerated"; PolyPhen-2: "Probably Damaging"; Align-GVGD: "Class C0"). This variant has not been reported in the literature in individuals with RASA1-related conditions. This variant is not present in population databases (ExAC no frequency). This sequence change replaces glutamic acid with alanine at codon 433 of the RASA1 protein (p.Glu433Ala). The glutamic acid residue is highly conserved and there is a moderate physicochemical difference between glutamic acid and alanine.